The following is an entry in ClinVar:

ClinVar aggregate classification (germline): Uncertain significance (1 of 4 stars; one submission).

Submission:

Labcorp Genetics (formerly Invitae), Labcorp
Classification: Uncertain significance. Last evaluated: 2024-05-04. Review status: criteria provided, single submitter. Criteria: Invitae Variant Classification Sherloc (09022015). Collection method: clinical testing. Allele origin: germline.
Comment: This sequence change replaces proline, which is neutral and non-polar, with alanine, which is neutral and non-polar, at codon 994 of the DOT1L protein (p.Pro994Ala). This variant is not present in population databases (gnomAD no frequency). This variant has not been reported in the literature in individuals affected with DOT1L-related conditions. Algorithms developed to predict the effect of missense changes on protein structure and function output the following: SIFT: "Not Available"; PolyPhen-2: "Benign"; Align-GVGD: "Not Available". The alanine amino acid residue is found in multiple mammalian species, which suggests that this missense change does not adversely affect protein function. In summary, the available evidence is currently insufficient to determine the role of this variant in disease. Therefore, it has been classified as a Variant of Uncertain Significance.

NM_032482.3(DOT1L):c.2980C>G (p.Pro994Ala)

Gene: DOT1L (DOT1 like histone lysine methyltransferase; plus strand). Cytogenetic location: 19p13.3.
Variant type: single nucleotide variant.
Coding change: c.2980C>G on transcript NM_032482.3 (MANE Select); coding-DNA position 2980, C replaced by G.
Protein change: p.Pro994Ala; replaces proline 994 with alanine.
Molecular consequence: missense variant.
Genome position (GRCh38, 1-based): chr19:2,222,149, C>G. VCF-style: chr19-2222149-C-G. GRCh37 (hg19) VCF-style: chr19-2222148-C-G.
Other names: c.2980C>G, p.Pro994Ala (NM_001411141.1); short protein forms P994A.
Identifiers: ClinVar variation 3681958 (VCV003681958.2).